The following is an entry in ClinVar:

ClinVar aggregate classification (germline): Uncertain significance (1 of 4 stars; one submission).

Conditions:
Inborn genetic diseases. Identifiers: MedGen C0950123, MeSH D030342.

gnomAD v4.1: 1 of 1,522,004 alleles (0.000066%); no homozygotes.

Submission:

Ambry Genetics
Classification: Uncertain significance for Inborn genetic diseases. Last evaluated: 2026-03-21. Review status: criteria provided, single submitter. Criteria: Ambry Variant Classification Scheme 2023. Collection method: clinical testing. Allele origin: germline.
Comment: The p.H1585P variant (also known as c.4754A>C), located in coding exon 19 of the FANCM gene, results from an A to C substitution at nucleotide position 4754. The histidine at codon 1585 is replaced by proline, an amino acid with similar properties. This amino acid position is conserved. In addition, this alteration is predicted to be tolerated by in silico analysis. Based on the available evidence, the clinical significance of this variant remains unclear.

NM_020937.4(FANCM):c.4754A>C (p.His1585Pro)

Gene: FANCM (FA complementation group M; plus strand). Cytogenetic location: 14q21.2.
Variant type: single nucleotide variant.
Coding change: c.4754A>C on transcript NM_020937.4 (MANE Select); coding-DNA position 4754, A replaced by C.
Protein change: p.His1585Pro; replaces histidine 1585 with proline.
Molecular consequence: missense variant.
Genome position (GRCh38, 1-based): chr14:45,187,862, A>C. VCF-style: chr14-45187862-A-C. GRCh37 (hg19) VCF-style: chr14-45657065-A-C.
Other names: c.4676A>C, p.His1559Pro (NM_001308133.2); short protein forms H1559P, H1585P.
Identifiers: ClinVar variation 4871036 (VCV004871036.1).